The following is an entry in ClinVar:

ClinVar aggregate classification (germline): Uncertain significance. Review status: criteria provided, multiple submitters, no conflicts (2 of 4 stars). 5 submissions from 5 submitters: Uncertain significance (5). Last evaluated 2025-09-14.

Conditions:
Inborn genetic diseases. Identifiers: MedGen C0950123, MeSH D030342.

Allele frequency attached by ClinVar (database versions not stated): ESP Exome Variant Server 0.00046; 1000 Genomes Project 30x 0.00031; TOPMed 0.00038; gnomAD exomes 0.00002; ExAC 0.00011; 1000 Genomes Project 0.00020; gnomAD 0.00029.
gnomAD v4.1: 76 of 1,612,502 alleles (0.0047%); highest among the groups gnomAD compares: African/African-American, 0.095%; no homozygotes.

Submissions (5):

Mayo Clinic Laboratories, Mayo Clinic
Classification: Uncertain significance. Last evaluated: 2025-09-14. Review status: criteria provided, single submitter. Criteria: ACMG Guidelines, 2015. Collection method: clinical testing. Allele origin: germline. Observed: 1 variant allele.
Comment: BP4_moderate

Labcorp Genetics (formerly Invitae), Labcorp
Classification: Uncertain significance. Last evaluated: 2025-06-13. Review status: criteria provided, single submitter. Criteria: Invitae Variant Classification Sherloc (09022015). Collection method: clinical testing. Allele origin: germline.
Comment: This sequence change replaces serine, which is neutral and polar, with threonine, which is neutral and polar, at codon 62 of the RAB3GAP1 protein (p.Ser62Thr). This variant is present in population databases (rs148441684, gnomAD 0.1%). This variant has not been reported in the literature in individuals affected with RAB3GAP1-related conditions. ClinVar contains an entry for this variant (Variation ID: 1703326). Invitae Evidence Modeling of protein sequence and biophysical properties (such as structural, functional, and spatial information, amino acid conservation, physicochemical variation, residue mobility, and thermodynamic stability) indicates that this missense variant is not expected to disrupt RAB3GAP1 protein function with a negative predictive value of 80%. In summary, the available evidence is currently insufficient to determine the role of this variant in disease. Therefore, it has been classified as a Variant of Uncertain Significance.

Athena Diagnostics
Classification: Uncertain significance. Last evaluated: 2024-12-31. Review status: criteria provided, single submitter. Criteria: Athena Diagnostics Criteria. Collection method: clinical testing. Allele origin: unknown.
Comment: Available data are insufficient to determine the clinical significance of the variant at this time. The frequency of this variant in the general population is higher than would generally be expected for pathogenic variants in this gene. Polyphen and MutationTaster predict this amino acid change may be benign.

Ambry Genetics
Classification: Uncertain significance for Inborn genetic diseases. Last evaluated: 2024-01-08. Review status: criteria provided, single submitter. Criteria: Ambry Variant Classification Scheme 2023. Collection method: clinical testing. Allele origin: germline.

GeneDx
Classification: Uncertain significance. Last evaluated: 2022-08-15. Review status: criteria provided, single submitter. Criteria: GeneDx Variant Classification Process June 2021. Collection method: clinical testing. Allele origin: germline. Affected: yes.
Comment: In silico analysis supports that this missense variant does not alter protein structure/function; Has not been previously published as pathogenic or benign to our knowledge

NM_012233.3(RAB3GAP1):c.184T>A (p.Ser62Thr)

Gene: RAB3GAP1 (RAB3 GTPase activating protein catalytic subunit 1; plus strand). Cytogenetic location: 2q21.3.
Variant type: single nucleotide variant.
Coding change: c.184T>A on transcript NM_012233.3 (MANE Select); coding-DNA position 184, T replaced by A.
Protein change: p.Ser62Thr; replaces serine 62 with threonine.
Molecular consequence: missense variant.
Genome position (GRCh38, 1-based): chr2:135,091,031, T>A. VCF-style: chr2-135091031-T-A. GRCh37 (hg19) VCF-style: chr2-135848601-T-A.
Other names: p.Ser62Thr; c.184T>A, p.Ser62Thr (NM_001172435.2); c.184T>A (NM_001172435.1); short protein forms S62T.
Identifiers: ClinVar variation 1703326 (VCV001703326.5), dbSNP rs148441684, ClinGen allele CA1884458.